The following is an entry in ClinVar:

NM_001126121.2(SLC25A19):c.*2T>C

Genes: MIF4GD-DT (MIF4GD divergent transcript; plus strand), SLC25A19 (solute carrier family 25 member 19; minus strand). Cytogenetic location: 17q25.1.
Variant type: single nucleotide variant.
Coding change: c.*2T>C on transcript NM_001126121.2 (MANE Select); 2 bases downstream of the stop codon, T replaced by C.
Molecular consequence: 3 prime UTR variant. On other transcripts: non-coding transcript variant (1).
Genome position (GRCh38, 1-based): chr17:75,273,449, A>G on the plus strand (T>C on the coding strand, the complement: SLC25A19 is on the minus strand). VCF-style: chr17-75273449-A-G. GRCh37 (hg19) VCF-style: chr17-73269530-A-G.
Other names: c.*2T>C (NM_001126122.2, NM_021734.5); c.963+2T>C (NM_021734.4).
Identifiers: ClinVar variation 130327 (VCV000130327.23), dbSNP rs1809352, ClinGen allele CA213203.

ClinVar aggregate classification (germline): Benign. Review status: criteria provided, multiple submitters, no conflicts (2 of 4 stars). 9 submissions from 8 submitters: Benign (7). 2 of the submissions do not count toward it. Last evaluated 2021-07-15.

Conditions:
Progressive demyelinating neuropathy with bilateral striatal necrosis (THMD4). Also called: Thiamine metabolism dysfunction syndrome 4 (progressive polyneuropathy type); Thiamine Metabolism Dysfunction Syndrome 4 (THMD-4); BILATERAL STRIATAL DEGENERATION AND PROGRESSIVE POLYNEUROPATHY. Identifiers: Orphanet 217396, MedGen C3150973, MONDO:0013382, OMIM 613710.
Amish lethal microcephaly (MCPHA). Also called: THIAMINE METABOLISM DYSFUNCTION SYNDROME 3 (MICROCEPHALY TYPE); MICROCEPHALY, AMISH TYPE. Identifiers: Orphanet 99742, MedGen C1846648, MONDO:0011790, OMIM 607196.

Allele frequency attached by ClinVar (database versions not stated): gnomAD 0.88363 and 0.87805; ExAC 0.92898; ESP Exome Variant Server 0.86975; 1000 Genomes Project 30x 0.89928; 1000 Genomes Project 0.90016; gnomAD exomes 0.92522 and 0.93025; TOPMed 0.87580.

Submissions (9):

Genome-Nilou Lab
Classification: Benign for Amish lethal microcephaly. Last evaluated: 2021-07-15. Review status: criteria provided, single submitter. Criteria: ACMG Guidelines, 2015. Collection method: clinical testing. Allele origin: germline. Affected: no.

Genome-Nilou Lab
Classification: Benign for Progressive demyelinating neuropathy with bilateral striatal necrosis. Last evaluated: 2021-07-15. Review status: criteria provided, single submitter. Criteria: ACMG Guidelines, 2015. Collection method: clinical testing. Allele origin: germline. Affected: no.

Illumina Laboratory Services, Illumina
Classification: Benign for Amish lethal microcephaly. Last evaluated: 2018-01-13. Review status: criteria provided, single submitter. Criteria: ICSL Variant Classification Criteria 13 December 2019. Collection method: clinical testing. Allele origin: germline.
Comment: This variant was observed in the ICSL laboratory as part of a predisposition screen in an ostensibly healthy population. It had not been previously curated by ICSL or reported in the Human Gene Mutation Database (HGMD: prior to June 1st, 2018), and was therefore a candidate for classification through an automated scoring system. Utilizing variant allele frequency, disease prevalence and penetrance estimates, and inheritance mode, an automated score was calculated to assess if this variant is too frequent to cause the disease. Based on the score and internal cut-off values, a variant classified as benign is not then subjected to further curation. The score for this variant resulted in a classification of benign for this disease.

Athena Diagnostics
Classification: Benign. Last evaluated: 2017-04-20. Review status: criteria provided, single submitter. Criteria: Athena Diagnostics Criteria. Collection method: clinical testing. Allele origin: germline.

GeneDx
Classification: Benign. Last evaluated: 2015-03-03. Review status: criteria provided, single submitter. Criteria: GeneDx Variant Classification Process June 2021. Collection method: clinical testing. Allele origin: germline. Affected: yes.

Genetic Services Laboratory, University of Chicago
Classification: Benign for AllHighlyPenetrant. Last evaluated: 2013-02-15. Review status: criteria provided, single submitter. Criteria: ACMG Guidelines, 2007. Collection method: clinical testing. Allele origin: germline. Inheritance: Autosomal recessive inheritance.

Breakthrough Genomics
Classification: Benign. Review status: criteria provided, single submitter. Criteria: ACMG Guidelines, 2015. Collection method: not provided. Allele origin: germline. Inheritance: Autosomal recessive inheritance. Affected: yes.

Mayo Clinic Laboratories, Mayo Clinic
Classification: Benign. Last evaluated: 2016-02-11. Review status: no assertion criteria provided. Collection method: clinical testing. Allele origin: unknown. Not counted in ClinVar's aggregate classification.

Clinical Genetics DNA and cytogenetics Diagnostics Lab, Erasmus MC, Erasmus Medical Center
Classification: Benign. Review status: no assertion criteria provided. Collection method: clinical testing. Allele origin: germline. Affected: yes. Study: VKGL Data-share Consensus. Not counted in ClinVar's aggregate classification.